The following is an entry in ClinVar:

ClinVar aggregate classification (germline): Uncertain significance (1 of 4 stars; one submission).

Conditions:
Cardiovascular phenotype. Identifiers: MedGen CN230736.

Submission:

Ambry Genetics
Classification: Uncertain significance for Cardiovascular phenotype. Last evaluated: 2019-11-19. Review status: criteria provided, single submitter. Criteria: Ambry Variant Classification Scheme 2023. Collection method: clinical testing. Allele origin: germline.
Comment: The c.7964delA variant, located in coding exon 52 of the RYR2 gene, results from a deletion of one nucleotide at nucleotide position 7964, causing a translational frameshift with a predicted alternate stop codon (p.K2655Rfs*15). This alteration is expected to result in loss of function by premature protein truncation or nonsense-mediated mRNA decay. However, loss of function of RYR2 has not been clearly established as a mechanism of disease. Since supporting evidence is limited at this time, the clinical significance of this alteration remains unclear.

NM_001035.3(RYR2):c.7964del (p.Lys2655fs)

Gene: RYR2 (ryanodine receptor 2; plus strand). Cytogenetic location: 1q43.
Variant type: Deletion.
Coding change: c.7964del on transcript NM_001035.3 (MANE Select); coding-DNA position 7964, one base deleted (A; older notation c.7964delA).
Protein change: p.Lys2655fs; shifts the reading frame from lysine 2655.
Molecular consequence: frameshift variant.
Genome position (GRCh38, 1-based): chr1:237,654,413, A deleted; the last of 4 consecutive A bases (chr1:237,654,410-237,654,413); deleting any one gives the same sequence. VCF-style (leftmost placement, unchanged base first): chr1-237654409-CA-C. GRCh37 (hg19) VCF-style: chr1-237817709-CA-C.
Other names: short protein forms K2655fs.
Identifiers: ClinVar variation 1761411 (VCV001761411.2), dbSNP rs2547071184, ClinGen allele CA2580062452.